The following is an entry in ClinVar:

ClinVar aggregate classification (germline): Conflicting classifications of pathogenicity. Review status: criteria provided, conflicting classifications (1 of 4 stars). 5 submissions from 5 submitters: Likely pathogenic (1); Uncertain significance (4). Last evaluated 2024-09-13.

Conditions:
Cholestanol storage disease (CTX). Also called: CTX: Cerebrotendinous xanthomatosis; CEREBRAL CHOLESTERINOSIS; Cerebrotendinous Xanthomatosis. Identifiers: Orphanet 909, MedGen C0238052, MONDO:0008948, OMIM 213700.
Cardiovascular phenotype. Identifiers: MedGen CN230736.

Allele frequency attached by ClinVar (database versions not stated): gnomAD 0.00004 and 0.00005; TOPMed 0.00003; ExAC 0.00004; gnomAD exomes 0.00006 and 0.00010.
gnomAD v4.1: 144 of 1,614,026 alleles (0.0089%); highest among the groups gnomAD compares: Non-Finnish European, 0.011%; 1 homozygote.

Submissions (5):

Ambry Genetics
Classification: Uncertain significance for Cardiovascular phenotype. Last evaluated: 2024-09-13. Review status: criteria provided, single submitter. Criteria: Ambry Variant Classification Scheme 2023. Collection method: clinical testing. Allele origin: germline.
Comment: The p.R164W variant (also known as c.490C>T), located in coding exon 3 of the CYP27A1 gene, results from a C to T substitution at nucleotide position 490. The arginine at codon 164 is replaced by tryptophan, an amino acid with dissimilar properties. This amino acid position is well conserved in available vertebrate species. In addition, the in silico prediction for this alteration is inconclusive. Based on the available evidence, the clinical significance of this variant remains unclear.

Blueprint Genetics
Classification: Uncertain significance. Last evaluated: 2024-09-02. Review status: criteria provided, single submitter. Criteria: ACMG Guidelines, 2015. Collection method: clinical testing. Allele origin: germline.

Labcorp Genetics (formerly Invitae), Labcorp
Classification: Uncertain significance for Cholestanol storage disease. Last evaluated: 2022-10-17. Review status: criteria provided, single submitter. Criteria: Invitae Variant Classification Sherloc (09022015). Collection method: clinical testing. Allele origin: germline.
Comment: This sequence change replaces arginine, which is basic and polar, with tryptophan, which is neutral and slightly polar, at codon 164 of the CYP27A1 protein (p.Arg164Trp). This variant is present in population databases (rs61733615, gnomAD 0.007%). This variant has not been reported in the literature in individuals affected with CYP27A1-related conditions. ClinVar contains an entry for this variant (Variation ID: 593797). Advanced modeling of protein sequence and biophysical properties (such as structural, functional, and spatial information, amino acid conservation, physicochemical variation, residue mobility, and thermodynamic stability) has been performed at Invitae for this missense variant, however the output from this modeling did not meet the statistical confidence thresholds required to predict the impact of this variant on CYP27A1 protein function. In summary, the available evidence is currently insufficient to determine the role of this variant in disease. Therefore, it has been classified as a Variant of Uncertain Significance.

Eurofins Ntd Llc (ga)
Classification: Uncertain significance. Last evaluated: 2017-08-23. Review status: criteria provided, single submitter. Criteria: EGL Classification Definitions 2015. Collection method: clinical testing. Allele origin: germline. Observed: 1 variant allele, 1 heterozygote.

Kasturba Medical College, Manipal, Kasturba Medical College, Manipal, Manipal Academy of Higher Education, Manipal, India
Classification: Likely pathogenic for Cholestanol storage disease. Review status: criteria provided, single submitter. Criteria: ACMG Guidelines, 2015. Collection method: clinical testing. Allele origin: germline. Affected: yes. Observed: 1 variant allele.

NM_000784.4(CYP27A1):c.490C>T (p.Arg164Trp)

Gene: CYP27A1 (cytochrome P450 family 27 subfamily A member 1; plus strand). Cytogenetic location: 2q35.
Variant type: single nucleotide variant.
Coding change: c.490C>T on transcript NM_000784.4 (MANE Select); coding-DNA position 490, C replaced by T.
Protein change: p.Arg164Trp; replaces arginine 164 with tryptophan.
Molecular consequence: missense variant.
Genome position (GRCh38, 1-based): chr2:218,812,265, C>T. VCF-style: chr2-218812265-C-T. GRCh37 (hg19) VCF-style: chr2-219676988-C-T.
Other names: c.490C>T (NM_000784.3); short protein forms R164W.
Identifiers: ClinVar variation 593797 (VCV000593797.9), dbSNP rs61733615, ClinGen allele CA2112623.